The following is an entry in ClinVar:

NM_001261826.3(AP3D1):c.2541A>C (p.Lys847Asn)

Gene: AP3D1 (adaptor related protein complex 3 subunit delta 1; minus strand). Cytogenetic location: 19p13.3.
Variant type: single nucleotide variant.
Coding change: c.2541A>C on transcript NM_001261826.3 (MANE Select); coding-DNA position 2541, A replaced by C.
Protein change: p.Lys847Asn; replaces lysine 847 with asparagine.
Molecular consequence: missense variant.
Genome position (GRCh38, 1-based): chr19:2,114,185, T>G on the plus strand (A>C on the coding strand, the complement: AP3D1 is on the minus strand). VCF-style: chr19-2114185-T-G. GRCh37 (hg19) VCF-style: chr19-2114184-T-G.
Other names: c.2541A>C, p.Lys847Asn (NM_001374799.1, NM_003938.8); short protein forms K847N.
Identifiers: ClinVar variation 4697765 (VCV004697765.1).

ClinVar aggregate classification (germline): Uncertain significance (1 of 4 stars; one submission).

gnomAD v4.1: 1 of 1,603,344 alleles (0.000062%); highest among the groups gnomAD compares: African/African-American, 0.0013%; no homozygotes.

Submission:

Labcorp Genetics (formerly Invitae), Labcorp
Classification: Uncertain significance. Last evaluated: 2025-02-04. Review status: criteria provided, single submitter. Criteria: Invitae Variant Classification Sherloc (09022015). Collection method: clinical testing. Allele origin: germline.
Comment: This sequence change replaces lysine, which is basic and polar, with asparagine, which is neutral and polar, at codon 847 of the AP3D1 protein (p.Lys847Asn). This variant is not present in population databases (gnomAD no frequency). This variant has not been reported in the literature in individuals affected with AP3D1-related conditions. An algorithm developed to predict the effect of missense changes on protein structure and function (PolyPhen-2) suggests that this variant is likely to be tolerated. In summary, the available evidence is currently insufficient to determine the role of this variant in disease. Therefore, it has been classified as a Variant of Uncertain Significance.